The following is an entry in ClinVar:

ClinVar aggregate classification (germline): Uncertain significance (1 of 4 stars; one submission).

Conditions:
Cognitive impairment - coarse facies - heart defects - obesity - pulmonary involvement - short stature - skeletal dysplasia syndrome. Also called: AFF4-Related CHOPS Syndrome; Chops syndrome; COGNITIVE IMPAIRMENT, COARSE FACIES, HEART DEFECTS, OBESITY, PULMONARY INVOLVEMENT, SHORT STATURE, AND SKELETAL DYSPLASIA. Identifiers: Orphanet 444077, MedGen C4085597, MONDO:0014609, OMIM 616368.

Submission:

Juno Genomics, Hangzhou Juno Genomics, Inc
Classification: Uncertain significance for Cognitive impairment - coarse facies - heart defects - obesity - pulmonary involvement - short stature - skeletal dysplasia syndrome. Review status: criteria provided, single submitter. Criteria: ACMG Guidelines, 2015. Collection method: clinical testing. Allele origin: germline.
Comment: Missense variant in a gene that has a low rate of benign missense variation.;Multiple lines of computational evidence support a deleterious effect on the gene or gene product.;Absent from controls (or at extremely low frequency if recessive) in Genome Aggregation Database.

NM_014423.4(AFF4):c.2900T>C (p.Phe967Ser)

Gene: AFF4 (ALF transcription elongation factor 4; minus strand). Cytogenetic location: 5q31.1.
Variant type: single nucleotide variant.
Coding change: c.2900T>C on transcript NM_014423.4 (MANE Select); coding-DNA position 2900, T replaced by C.
Protein change: p.Phe967Ser; replaces phenylalanine 967 with serine.
Molecular consequence: missense variant.
Genome position (GRCh38, 1-based): chr5:132,887,879, A>G on the plus strand (T>C on the coding strand, the complement: AFF4 is on the minus strand). VCF-style: chr5-132887879-A-G. GRCh37 (hg19) VCF-style: chr5-132223571-A-G.
Other names: short protein forms F967S.
Identifiers: ClinVar variation 5006838 (VCV005006838.2).